The following is an entry in ClinVar:

NM_152594.3(SPRED1):c.377-149G>A

Gene: SPRED1 (sprouty related EVH1 domain containing 1; plus strand). Cytogenetic location: 15q14.
Variant type: single nucleotide variant.
Coding change: c.377-149G>A on transcript NM_152594.3 (MANE Select); 149 bases into the intron before coding-DNA position 377, G replaced by A.
Molecular consequence: intron variant.
Genome position (GRCh38, 1-based): chr15:38,324,614, G>A. VCF-style: chr15-38324614-G-A. GRCh37 (hg19) VCF-style: chr15-38616815-G-A.
Identifiers: ClinVar variation 561479 (VCV000561479.2), dbSNP rs1879939, ClinGen allele CA269290617.

ClinVar aggregate classification (germline): Benign. Review status: criteria provided, multiple submitters, no conflicts (2 of 4 stars). 2 submissions from 2 submitters: Benign (2). Last evaluated 2018-06-16.

Allele frequency attached by ClinVar (database versions not stated): TOPMed 0.90213; 1000 Genomes Project 30x 0.90584; 1000 Genomes Project 0.90895; gnomAD 0.91751; gnomAD exomes 0.99011.
gnomAD v4.1: 600,106 of 618,086 alleles (97%); highest among the groups gnomAD compares: East Asian, 100%; 293,537 homozygotes.

Submissions (2):

GeneDx
Classification: Benign. Last evaluated: 2018-06-16. Review status: criteria provided, single submitter. Criteria: GeneDx Variant Classification (06012015). Collection method: clinical testing. Allele origin: germline. Affected: yes.
Comment: This variant is considered likely benign or benign based on one or more of the following criteria: it is a conservative change, it occurs at a poorly conserved position in the protein, it is predicted to be benign by multiple in silico algorithms, and/or has population frequency not consistent with disease.

Breakthrough Genomics
Classification: Benign. Review status: criteria provided, single submitter. Criteria: ACMG Guidelines, 2015. Collection method: not provided. Allele origin: germline. Inheritance: Autosomal dominant inheritance. Affected: yes.